The following is an entry in ClinVar:

NM_025137.4(SPG11):c.6092G>A (p.Arg2031Gln)

Gene: SPG11 (SPG11 vesicle trafficking associated, spatacsin; minus strand). Cytogenetic location: 15q21.1.
Variant type: single nucleotide variant.
Coding change: c.6092G>A on transcript NM_025137.4 (MANE Select); coding-DNA position 6092, G replaced by A.
Protein change: p.Arg2031Gln; replaces arginine 2031 with glutamine.
Molecular consequence: missense variant. On other transcripts: intron variant (1).
Genome position (GRCh38, 1-based): chr15:44,573,660, C>T on the plus strand (G>A on the coding strand, the complement: SPG11 is on the minus strand). VCF-style: chr15-44573660-C-T. GRCh37 (hg19) VCF-style: chr15-44865858-C-T.
Other names: c.5867-840G>A (NM_001160227.2); short protein forms R2031Q.
Identifiers: ClinVar variation 941857 (VCV000941857.8), dbSNP rs1365555358, ClinGen allele CA392218322.
Genomic context (GRCh38, chr15:44,573,660, plus strand): 5'-TCAGCCACAGTATCTGGCTTAAGGCCCTGTGTGCTGATGAAGGCCTGGGCTCGTTTGCAT[C>T]GGTCAGGCTGCTGAGAGGCCAAGATTTTCCGGAGCATGGCTTCACCATCCTGAGCAGCAA-3'
Protein context (NP_079413.3, residues 2021-2041): RKILASQQPD[Arg2031Gln]CKRAQAFIST

ClinVar aggregate classification (germline): Uncertain significance. Review status: criteria provided, multiple submitters, no conflicts (2 of 4 stars). 5 submissions from 3 submitters: Uncertain significance (5). Last evaluated 2022-08-03.

Conditions:
Amyotrophic lateral sclerosis type 5 (ALS5). Also called: AMYOTROPHIC LATERAL SCLEROSIS 5, JUVENILE. Identifiers: Orphanet 300605, MedGen C1865864, MONDO:0011196, OMIM 602099.
Charcot-Marie-Tooth disease axonal type 2X. Also called: CHARCOT-MARIE-TOOTH DISEASE, AXONAL, AUTOSOMAL RECESSIVE, TYPE 2X; CHARCOT-MARIE-TOOTH NEUROPATHY, TYPE 2X. Identifiers: Orphanet 466775, MedGen C5569024, MONDO:0014726, OMIM 616668.
Hereditary spastic paraplegia 11. Also called: SPASTIC PARAPLEGIA, AUTOSOMAL RECESSIVE, COMPLICATED, WITH THIN CORPUS CALLOSUM; SPASTIC PARAPLEGIA, AUTOSOMAL RECESSIVE, WITH MENTAL IMPAIRMENT AND THIN CORPUS CALLOSUM; Spastic paraplegia, mental retardation and thin corpus callosum; Nakamura Osame syndrome; Autosomal recessive hereditary spastic paraplegia, mental impairment, and thin corpus callosum; Spastic Paraplegia 11. Identifiers: Orphanet 2822, MedGen C1858479, MONDO:0011445, OMIM 604360.

Allele frequency attached by ClinVar (database versions not stated): gnomAD exomes below 0.00001; gnomAD 0.00001; TOPMed 0.00001.

Submissions (5):

Labcorp Genetics (formerly Invitae), Labcorp
Classification: Uncertain significance for Hereditary spastic paraplegia 11. Last evaluated: 2022-08-03. Review status: criteria provided, single submitter. Criteria: Invitae Variant Classification Sherloc (09022015). Collection method: clinical testing. Allele origin: germline.
Comment: This sequence change replaces arginine, which is basic and polar, with glutamine, which is neutral and polar, at codon 2031 of the SPG11 protein (p.Arg2031Gln). This variant is present in population databases (no rsID available, gnomAD 0.007%). This variant has not been reported in the literature in individuals affected with SPG11-related conditions. ClinVar contains an entry for this variant (Variation ID: 941857). Algorithms developed to predict the effect of missense changes on protein structure and function (SIFT, PolyPhen-2, Align-GVGD) all suggest that this variant is likely to be disruptive. In summary, the available evidence is currently insufficient to determine the role of this variant in disease. Therefore, it has been classified as a Variant of Uncertain Significance.

GeneDx
Classification: Uncertain significance. Last evaluated: 2021-09-08. Review status: criteria provided, single submitter. Criteria: GeneDx Variant Classification Process June 2021. Collection method: clinical testing. Allele origin: germline. Affected: yes.
Comment: Not observed at significant frequency in large population cohorts (Lek et al., 2016); In silico analysis supports that this missense variant does not alter protein structure/function; Has not been previously published as pathogenic or benign to our knowledge

Genome-Nilou Lab
Classification: Uncertain significance for Amyotrophic lateral sclerosis type 5. Review status: criteria provided, single submitter. Criteria: ACMG Guidelines, 2015. Collection method: clinical testing. Allele origin: germline.

Genome-Nilou Lab
Classification: Uncertain significance for Charcot-Marie-Tooth disease axonal type 2X. Review status: criteria provided, single submitter. Criteria: ACMG Guidelines, 2015. Collection method: clinical testing. Allele origin: germline.

Genome-Nilou Lab
Classification: Uncertain significance for Hereditary spastic paraplegia 11. Review status: criteria provided, single submitter. Criteria: ACMG Guidelines, 2015. Collection method: clinical testing. Allele origin: germline.